The following is an entry in ClinVar:

NM_001851.6(COL9A1):c.717_781-267del

Gene: COL9A1 (collagen type IX alpha 1 chain; minus strand). Cytogenetic location: 6q13.
Variant type: Deletion.
Coding change: c.717_781-267del on transcript NM_001851.6 (MANE Select); coding-DNA position 717 through 267 bases into the intron before coding-DNA position 781, 616 bases deleted.
Molecular consequence: splice donor variant.
Genome position (GRCh38, 1-based): chr6:70,283,185-70,283,800, 616 bases deleted. GRCh37 (hg19): chr6:70,992,891-70,993,506.
Other names: c.717_781-267del (NM_001377291.1).
Identifiers: ClinVar variation 2809077 (VCV002809077.3), dbSNP rs2483469257, ClinGen allele CA2739273179.

ClinVar aggregate classification (germline): Likely pathogenic (1 of 4 stars; one submission).

Submission:

Labcorp Genetics (formerly Invitae), Labcorp
Classification: Likely pathogenic. Last evaluated: 2022-10-19. Review status: criteria provided, single submitter. Criteria: Invitae Variant Classification Sherloc (09022015). Collection method: clinical testing. Allele origin: germline.
Comment: In summary, the currently available evidence indicates that the variant is pathogenic, but additional data are needed to prove that conclusively. Therefore, this variant has been classified as Likely Pathogenic. This variant has not been reported in the literature in individuals affected with COL9A1-related conditions. This variant is not present in population databases (gnomAD no frequency). This variant results in the deletion of part of exon 6 (c.717_781-267del) of the COL9A1 gene. It is expected to disrupt RNA splicing. Variants that disrupt the donor or acceptor splice site typically lead to a loss of protein function (PMID: 16199547), and loss-of-function variants in COL9A1 are known to be pathogenic (PMID: 16909383, 21421862).

Literature cited by the submitters: PubMed 16199547; PubMed 16909383; PubMed 21421862.